The following is an entry in ClinVar:

ClinVar aggregate classification (germline): Benign/Likely benign. Review status: criteria provided, multiple submitters, no conflicts (2 of 4 stars). 10 submissions from 10 submitters: Benign (6); Likely benign (2). 2 of the submissions do not count toward it. Last evaluated 2026-02-02.

Conditions:
Progressive familial heart block type IB (PFHB1B). Identifiers: Orphanet 871, MedGen C1970298, MONDO:0011474, OMIM 604559.
Cardiovascular phenotype. Identifiers: MedGen CN230736.

Allele frequency attached by ClinVar (database versions not stated): gnomAD exomes 0.00095 and 0.00270; ExAC 0.00311; gnomAD 0.01042 and 0.01125; ESP Exome Variant Server 0.01176; 1000 Genomes Project 0.01178; 1000 Genomes Project 30x 0.01187; TOPMed 0.01222.
gnomAD v4.1: 3,042 of 1,614,088 alleles (0.19%); highest among the groups gnomAD compares: African/African-American, 3.4%; 58 homozygotes.

Submissions (10):

Labcorp Genetics (formerly Invitae), Labcorp
Classification: Benign for Progressive familial heart block type IB. Last evaluated: 2026-02-02. Review status: criteria provided, single submitter. Criteria: Invitae Variant Classification Sherloc (09022015). Collection method: clinical testing. Allele origin: germline.

Molecular Diagnostic Laboratory for Inherited Cardiovascular Disease, Montreal Heart Institute
Classification: Benign. Last evaluated: 2025-04-09. Review status: criteria provided, single submitter. Criteria: ACMG Guidelines, 2015. Collection method: clinical testing. Allele origin: germline. Affected: no.

Women's Health and Genetics/Laboratory Corporation of America, LabCorp
Classification: Benign. Last evaluated: 2024-01-08. Review status: criteria provided, single submitter. Criteria: LabCorp Variant Classification Summary - May 2015. Collection method: clinical testing. Allele origin: germline.

ARUP Laboratories, Molecular Genetics and Genomics, ARUP Laboratories
Classification: Benign. Last evaluated: 2023-09-13. Review status: criteria provided, single submitter. Criteria: ARUP Molecular Germline Variant Investigation Process 2024. Collection method: clinical testing. Allele origin: germline.

Illumina Laboratory Services, Illumina
Classification: Likely benign for Progressive familial heart block type IB. Last evaluated: 2018-01-13. Review status: criteria provided, single submitter. Criteria: ICSL Variant Classification Criteria 13 December 2019. Collection method: clinical testing. Allele origin: germline.
Comment: This variant was observed in the ICSL laboratory as part of a predisposition screen in an ostensibly healthy population. It had not been previously curated by ICSL or reported in the Human Gene Mutation Database (HGMD: prior to June 1st, 2018), and was therefore a candidate for classification through an automated scoring system. Utilizing variant allele frequency, disease prevalence and penetrance estimates, and inheritance mode, an automated score was calculated to assess if this variant is too frequent to cause the disease. Based on the score and internal cut-off values, a variant classified as likely benign is not then subjected to further curation. The score for this variant resulted in a classification of likely benign for this disease.

Ambry Genetics
Classification: Benign for Cardiovascular phenotype. Last evaluated: 2016-12-02. Review status: criteria provided, single submitter. Criteria: Ambry Variant Classification Scheme 2023. Collection method: clinical testing. Allele origin: germline.

GeneDx
Classification: Benign. Last evaluated: 2016-10-14. Review status: criteria provided, single submitter. Criteria: GeneDx Variant Classification (06012015). Collection method: clinical testing. Allele origin: germline. Affected: yes.
Comment: This variant is considered likely benign or benign based on one or more of the following criteria: it is a conservative change, it occurs at a poorly conserved position in the protein, it is predicted to be benign by multiple in silico algorithms, and/or has population frequency not consistent with disease.

Breakthrough Genomics
Classification: Likely benign. Review status: criteria provided, single submitter. Criteria: ACMG Guidelines, 2015. Collection method: not provided. Allele origin: germline. Inheritance: Autosomal dominant inheritance. Affected: yes.

Clinical Genetics, Academic Medical Center
Classification: Benign. Review status: no assertion criteria provided. Collection method: clinical testing. Allele origin: germline. Affected: yes. Study: VKGL Data-share Consensus. Not counted in ClinVar's aggregate classification.

Joint Genome Diagnostic Labs from Nijmegen and Maastricht, Radboudumc and MUMC+
Classification: Likely benign. Review status: no assertion criteria provided. Collection method: clinical testing. Allele origin: germline. Affected: yes. Study: VKGL Data-share Consensus. Not counted in ClinVar's aggregate classification.

NM_017636.4(TRPM4):c.3082C>T (p.Leu1028=)

Gene: TRPM4 (transient receptor potential cation channel subfamily M member 4; plus strand). Cytogenetic location: 19q13.33.
Variant type: single nucleotide variant.
Coding change: c.3082C>T on transcript NM_017636.4 (MANE Select); coding-DNA position 3082, C replaced by T.
Protein change: p.Leu1028=; no amino-acid change (leucine 1028 retained).
Molecular consequence: synonymous variant.
Genome position (GRCh38, 1-based): chr19:49,202,092, C>T. VCF-style: chr19-49202092-C-T. GRCh37 (hg19) VCF-style: chr19-49705349-C-T.
Other names: c.2647C>T, p.Leu883= (NM_001195227.2); c.2737C>T, p.Leu913= (NM_001321281.2); c.1474C>T, p.Leu492= (NM_001321282.2); c.2560C>T, p.Leu854= (NM_001321283.2); c.2020C>T, p.Leu674= (NM_001321285.2).
Identifiers: ClinVar variation 329872 (VCV000329872.69), dbSNP rs79286201, ClinGen allele CA9569767.